The following is an entry in ClinVar:

NM_181783.4(TMTC3):c.1230_1233del (p.Ser411fs)

Gene: TMTC3 (transmembrane O-mannosyltransferase targeting cadherins 3; plus strand). Cytogenetic location: 12q21.32.
Variant type: Microsatellite.
Coding change: c.1230_1233del on transcript NM_181783.4 (MANE Select); coding-DNA positions 1230 to 1233, 4 bases deleted (GTCT; older notation c.1230_1233delGTCT).
Protein change: p.Ser411fs; shifts the reading frame from serine 411.
Molecular consequence: frameshift variant. On other transcripts: non-coding transcript variant (1).
Genome position (GRCh38, 1-based): chr12:88,174,637-88,174,640, GTCT deleted; deleting any 4 consecutive bases within chr12:88,174,632-88,174,640 gives the same sequence; the c. name uses the placement nearest the transcript's 3' end. VCF-style (leftmost placement, unchanged base first): chr12-88174631-TTGTC-T. GRCh37 (hg19) VCF-style: chr12-88568408-TTGTC-T.
Other names: c.1050_1053del, p.Ser351fs (NM_001366574.1); c.1011_1014del, p.Ser338fs (NM_001366579.1); c.963_966del, p.Ser322fs (NM_001366580.1); c.537_540del, p.Ser180fs (NM_001366583.1); short protein forms S180fs, S322fs, S338fs, S351fs, S411fs.
Identifiers: ClinVar variation 4846952 (VCV004846952.1).
Genomic context (GRCh38, chr12:88,174,631, plus strand): 5'-CAATTTTTTTTGTTTTGCTTTTTTTCTCTTAAACAGTGTATTTAAAAAGCTATCCTGGAT[TTGTC>T]TGTCTATGGTGATACTCACTCATTCCTTAAAAACATTCCACAGAAATTGGGATTGGGAGT-3'

ClinVar aggregate classification (germline): Likely pathogenic (1 of 4 stars; one submission).

Conditions:
Lissencephaly 8 (LIS8). Identifiers: MedGen C4310646, MONDO:0014992, OMIM 617255.

Submission:

Laboratorio de Genetica e Diagnostico Molecular, Hospital Israelita Albert Einstein
Classification: Likely pathogenic for Lissencephaly 8. Last evaluated: 2025-12-22. Review status: criteria provided, single submitter. Criteria: ACMG Guidelines, 2015. Collection method: clinical testing. Allele origin: germline. Affected: yes.
Comment: ACMG classification criteria: PVS1 very strong, PM2 supporting